The following is an entry in ClinVar:

ClinVar aggregate classification (germline): Likely benign (1 of 4 stars; one submission).

Conditions:
Brachydactyly. Also called: Brachydactyly syndrome; Brachydactyly (disease). Identifiers: MedGen C0221357, MONDO:0021004, HP:0001156.

Allele frequency attached by ClinVar (database versions not stated): 1000 Genomes Project 0.00060; 1000 Genomes Project 30x 0.00094; gnomAD 0.00100 and 0.00102; TOPMed 0.00125.

Submission:

Illumina Laboratory Services, Illumina
Classification: Likely benign for Brachydactyly. Last evaluated: 2017-04-27. Review status: criteria provided, single submitter. Criteria: ICSL Variant Classification Criteria 13 December 2019. Collection method: clinical testing. Allele origin: germline.
Comment: This variant was observed as part of a predisposition screen in an ostensibly healthy population. A literature search was performed for the gene, cDNA change, and amino acid change (where applicable). No publications were found based on this search. Allele frequency data from public databases allowed determination this variant is unlikely to cause disease. Therefore, this variant is classified as likely benign.

NM_001203.3(BMPR1B):c.*3101A>G

Gene: BMPR1B (bone morphogenetic protein receptor type 1B; plus strand). Cytogenetic location: 4q22.3.
Variant type: single nucleotide variant.
Coding change: c.*3101A>G on transcript NM_001203.3 (MANE Select); 3101 bases downstream of the stop codon, A replaced by G.
Molecular consequence: 3 prime UTR variant.
Genome position (GRCh38, 1-based): chr4:95,157,774, A>G. VCF-style: chr4-95157774-A-G. GRCh37 (hg19) VCF-style: chr4-96078925-A-G.
Other names: c.*3101A>G (NM_001256792.2, NM_001256793.2, NM_001256794.1).
Identifiers: ClinVar variation 350173 (VCV000350173.5), dbSNP rs556715070, ClinGen allele CA10618686.